The following is an entry in ClinVar:

ClinVar aggregate classification (germline): Uncertain significance (1 of 4 stars; one submission).

Submission:

Ambry Genetics
Classification: Uncertain significance. Last evaluated: 2026-07-01. Review status: criteria provided, single submitter. Criteria: Ambry Variant Classification Scheme 2023. Collection method: clinical testing. Allele origin: germline.
Comment: The p.K735R variant (also known as c.2204A>G), located in coding exon 12 of the ATRIP gene, results from an A to G substitution at nucleotide position 2204. The lysine at codon 735 is replaced by arginine, an amino acid with highly similar properties. This amino acid position is conserved. In addition, this alteration is predicted to be tolerated by in silico analysis. Based on the available evidence, the clinical significance of this variant remains unclear.

NM_130384.3(ATRIP):c.2204A>G (p.Lys735Arg)

Genes: ATRIP (ATR interacting protein; plus strand), ATRIP-TREX1 (ATRIP-TREX1 readthrough; plus strand). Cytogenetic location: 3p21.31.
Variant type: single nucleotide variant.
Coding change: c.2204A>G on transcript NM_130384.3 (MANE Select); coding-DNA position 2204, A replaced by G.
Protein change: p.Lys735Arg; replaces lysine 735 with arginine.
Molecular consequence: missense variant. On other transcripts: non-coding transcript variant (1).
Genome position (GRCh38, 1-based): chr3:48,464,979, A>G. VCF-style: chr3-48464979-A-G. GRCh37 (hg19) VCF-style: chr3-48506378-A-G.
Other names: c.1823A>G, p.Lys608Arg (NM_001271022.2); c.1925A>G, p.Lys642Arg (NM_001271023.2); c.2123A>G, p.Lys708Arg (NM_032166.4); short protein forms K708R, K735R, K642R, K608R.
Identifiers: ClinVar variation 5032416 (VCV005032416.1).